The following is an entry in ClinVar:

NM_007254.4(PNKP):c.1140C>T (p.Thr380=)

Gene: PNKP (polynucleotide kinase 3'-phosphatase; minus strand). Cytogenetic location: 19q13.33.
Variant type: single nucleotide variant.
Coding change: c.1140C>T on transcript NM_007254.4 (MANE Select); coding-DNA position 1140, C replaced by T.
Protein change: p.Thr380=; no amino-acid change (threonine 380 retained).
Molecular consequence: synonymous variant.
Genome position (GRCh38, 1-based): chr19:49,862,092, G>A on the plus strand (C>T on the coding strand, the complement: PNKP is on the minus strand). VCF-style: chr19-49862092-G-A. GRCh37 (hg19) VCF-style: chr19-50365349-G-A.
Identifiers: ClinVar variation 378398 (VCV000378398.6), dbSNP rs780500233, ClinGen allele CA9586574.

ClinVar aggregate classification (germline): Likely benign. Review status: criteria provided, multiple submitters, no conflicts (2 of 4 stars). 2 submissions from 2 submitters: Likely benign (2). Last evaluated 2023-11-08.

Conditions:
Developmental and epileptic encephalopathy, 12 (DEE12). Identifiers: MedGen C3150988, MONDO:0013389, OMIM 613722.

Allele frequency attached by ClinVar (database versions not stated): gnomAD exomes below 0.00001 and 0.00001; ExAC 0.00001.

Submissions (2):

Labcorp Genetics (formerly Invitae), Labcorp
Classification: Likely benign for Developmental and epileptic encephalopathy, 12. Last evaluated: 2023-11-08. Review status: criteria provided, single submitter. Criteria: Invitae Variant Classification Sherloc (09022015). Collection method: clinical testing. Allele origin: germline.

GeneDx
Classification: Likely benign. Last evaluated: 2016-03-29. Review status: criteria provided, single submitter. Criteria: GeneDx Variant Classification (06012015). Collection method: clinical testing. Allele origin: germline. Affected: yes.
Comment: This variant is considered likely benign or benign based on one or more of the following criteria: it is a conservative change, it occurs at a poorly conserved position in the protein, it is predicted to be benign by multiple in silico algorithms, and/or has population frequency not consistent with disease.